The following is an entry in ClinVar:

NM_178138.6(LHX3):c.1047G>A (p.Ser349=)

Gene: LHX3 (LIM homeobox 3; minus strand). Cytogenetic location: 9q34.3.
Variant type: single nucleotide variant.
Coding change: c.1047G>A on transcript NM_178138.6 (MANE Select); coding-DNA position 1047, G replaced by A.
Protein change: p.Ser349=; no amino-acid change (serine 349 retained).
Molecular consequence: synonymous variant.
Genome position (GRCh38, 1-based): chr9:136,197,472, C>T on the plus strand (G>A on the coding strand, the complement: LHX3 is on the minus strand). VCF-style: chr9-136197472-C-T. GRCh37 (hg19) VCF-style: chr9-139089318-C-T.
Other names: c.1014G>A, p.Ser338= (NM_001363746.1); c.1062G>A, p.Ser354= (NM_014564.5); c.1062G>A (NM_014564.4).
Identifiers: ClinVar variation 1082666 (VCV001082666.10), dbSNP rs767679122, ClinGen allele CA5330273.

ClinVar aggregate classification (germline): Likely benign. Review status: criteria provided, multiple submitters, no conflicts (2 of 4 stars). 2 submissions from 2 submitters: Likely benign (2). Last evaluated 2026-05-10.

Conditions:
LHX3-related disorder. Also called: LHX3-related condition.

Allele frequency attached by ClinVar (database versions not stated): gnomAD exomes 0.00001 and 0.00003; gnomAD 0.00002 and 0.00003; TOPMed 0.00003; ExAC 0.00009.

Submissions (2):

PreventionGenetics, part of Exact Sciences
Classification: Likely benign for LHX3-related condition. Last evaluated: 2026-05-10. Review status: criteria provided, single submitter. Criteria: ACMG Guidelines, 2015. Collection method: clinical testing. Allele origin: germline.
Comment: This variant is classified as likely benign based on ACMG/AMP sequence variant interpretation guidelines (Richards et al. 2015 PMID: 25741868, with internal and published modifications).

Labcorp Genetics (formerly Invitae), Labcorp
Classification: Likely benign. Last evaluated: 2026-01-25. Review status: criteria provided, single submitter. Criteria: Invitae Variant Classification Sherloc (09022015). Collection method: clinical testing. Allele origin: germline.